The following is an entry in ClinVar:

ClinVar aggregate classification (germline): Pathogenic (1 of 4 stars; one submission).

Submission:

GeneDx
Classification: Pathogenic. Last evaluated: 2018-04-13. Review status: criteria provided, single submitter. Criteria: GeneDx Variant Classification (06012015). Collection method: clinical testing. Allele origin: germline. Affected: yes.
Comment: This duplication of one nucleotide in PTCH1 is denoted c.2135dupT at the cDNA level and p.Ser713LeufsX25 (S713LfsX25) at the protein level. The normal sequence, with the base that is duplicated in brackets, is CTGC[dupT]CTCC. The duplication causes a frameshift which changes a Serine to a Leucine at codon 713, and creates a premature stop codon at position 25 of the new reading frame. Although this variant has not, to our knowledge, been reported in the literature, it is predicted to cause loss of normal protein function through either protein truncation or nonsense-mediated mRNA decay. We consider this variant to be pathogenic.

NM_000264.5(PTCH1):c.2135dup (p.Ser713fs)

Genes: PTCH1 (patched 1; minus strand), LOC100507346 (uncharacterized LOC100507346; plus strand). Cytogenetic location: 9q22.32.
Variant type: Duplication.
Coding change: c.2135dup on transcript NM_000264.5 (MANE Select); coding-DNA position 2135, one base duplicated (T; older notation c.2135dupT).
Protein change: p.Ser713fs; shifts the reading frame from serine 713.
Molecular consequence: frameshift variant. On other transcripts: non-coding transcript variant (2).
Genome position (GRCh38, 1-based): chr9:95,468,866, A duplicated on the plus strand (T on the coding strand, the reverse complement: PTCH1 is on the minus strand). VCF-style (leftmost placement, unchanged base first): chr9-95468865-G-GA. GRCh37 (hg19) VCF-style: chr9-98231147-G-GA.
Other names: c.2135dupT (NM_000264.3); c.1937dup, p.Ser647fs (NM_001083602.3); c.2132dup, p.Ser712fs (NM_001083603.3); c.1682dup, p.Ser562fs (NM_001083604.3, NM_001083605.3, NM_001083606.3 and 1 more transcripts); c.1979dup, p.Ser661fs (NM_001354918.2); short protein forms S562fs, S712fs, S713fs, S647fs, S661fs.
Identifiers: ClinVar variation 545897 (VCV000545897.2), dbSNP rs1554694966, ClinGen allele CA658822551.